The following is an entry in ClinVar:

NM_001558.4(IL10RA):c.289C>T (p.Arg97Trp)

Gene: IL10RA (interleukin 10 receptor subunit alpha; plus strand). Cytogenetic location: 11q23.3.
Variant type: single nucleotide variant.
Coding change: c.289C>T on transcript NM_001558.4 (MANE Select); coding-DNA position 289, C replaced by T.
Protein change: p.Arg97Trp; replaces arginine 97 with tryptophan.
Molecular consequence: missense variant. On other transcripts: non-coding transcript variant (1).
Genome position (GRCh38, 1-based): chr11:117,989,542, C>T. VCF-style: chr11-117989542-C-T. GRCh37 (hg19) VCF-style: chr11-117860257-C-T.
Other names: short protein forms R97W.
Identifiers: ClinVar variation 842969 (VCV000842969.7), dbSNP rs374330101, ClinGen allele CA6298887.

ClinVar aggregate classification (germline): Uncertain significance. Review status: criteria provided, multiple submitters, no conflicts (2 of 4 stars). 2 submissions from 2 submitters: Uncertain significance (2). Last evaluated 2024-09-10.

Conditions:
Inflammatory bowel disease 28. Also called: Inflammatory bowel disease 28, early onset, autosomal recessive. Identifiers: Orphanet 238569, MedGen C2751053, MONDO:0013153, OMIM 613148.

Allele frequency attached by ClinVar (database versions not stated): ExAC 0.00002; gnomAD 0.00006 and 0.00007; gnomAD exomes 0.00006; TOPMed 0.00006; ESP Exome Variant Server 0.00008; 1000 Genomes Project 30x 0.00031; 1000 Genomes Project 0.00040.
gnomAD v4.1: 140 of 1,614,156 alleles (0.0087%); highest among the groups gnomAD compares: Non-Finnish European, 0.01%; no homozygotes.

Submissions (2):

Blueprint Genetics
Classification: Uncertain significance. Last evaluated: 2024-09-10. Review status: criteria provided, single submitter. Criteria: ACMG Guidelines, 2015. Collection method: clinical testing. Allele origin: germline.

Labcorp Genetics (formerly Invitae), Labcorp
Classification: Uncertain significance for Inflammatory bowel disease 28. Last evaluated: 2023-11-18. Review status: criteria provided, single submitter. Criteria: Invitae Variant Classification Sherloc (09022015). Collection method: clinical testing. Allele origin: germline.
Comment: This sequence change replaces arginine, which is basic and polar, with tryptophan, which is neutral and slightly polar, at codon 97 of the IL10RA protein (p.Arg97Trp). This variant is present in population databases (rs374330101, gnomAD 0.01%). This variant has not been reported in the literature in individuals affected with IL10RA-related conditions. ClinVar contains an entry for this variant (Variation ID: 842969). Advanced modeling of protein sequence and biophysical properties (such as structural, functional, and spatial information, amino acid conservation, physicochemical variation, residue mobility, and thermodynamic stability) performed at Invitae indicates that this missense variant is not expected to disrupt IL10RA protein function with a negative predictive value of 80%. In summary, the available evidence is currently insufficient to determine the role of this variant in disease. Therefore, it has been classified as a Variant of Uncertain Significance.